The following is an entry in ClinVar:

ClinVar aggregate classification (germline): Uncertain significance (1 of 4 stars; one submission).

Conditions:
Spinocerebellar ataxia type 19/22 (SCA19). Also called: SPINOCEREBELLAR ATAXIA 19; SPINOCEREBELLAR ATAXIA 22. Identifiers: Orphanet 98772, MedGen C1846367, MONDO:0011819, OMIM 607346.

Allele frequency attached by ClinVar (database versions not stated): gnomAD exomes below 0.00001; TOPMed below 0.00001; gnomAD 0.00001.
gnomAD v4.1: 6 of 1,613,906 alleles (0.00037%); highest among the groups gnomAD compares: Non-Finnish European, 0.00051%; no homozygotes.

Submission:

Labcorp Genetics (formerly Invitae), Labcorp
Classification: Uncertain significance for Spinocerebellar ataxia type 19/22. Last evaluated: 2020-09-29. Review status: criteria provided, single submitter. Criteria: Invitae Variant Classification Sherloc (09022015). Collection method: clinical testing. Allele origin: germline.
Comment: This variant has not been reported in the literature in individuals with KCND3-related conditions. This variant is not present in population databases (ExAC no frequency). This sequence change replaces valine with glycine at codon 493 of the KCND3 protein (p.Val493Gly). The valine residue is moderately conserved and there is a moderate physicochemical difference between valine and glycine. Algorithms developed to predict the effect of missense changes on protein structure and function are either unavailable or do not agree on the potential impact of this missense change (SIFT: "Deleterious"; PolyPhen-2: "Benign"; Align-GVGD: "Class C0"). In summary, the available evidence is currently insufficient to determine the role of this variant in disease. Therefore, it has been classified as a Variant of Uncertain Significance.

NM_001378969.1(KCND3):c.1478T>G (p.Val493Gly)

Gene: KCND3 (potassium voltage-gated channel subfamily D member 3; minus strand). Cytogenetic location: 1p13.2.
Variant type: single nucleotide variant.
Coding change: c.1478T>G on transcript NM_001378969.1 (MANE Select); coding-DNA position 1478, T replaced by G.
Protein change: p.Val493Gly; replaces valine 493 with glycine.
Molecular consequence: missense variant. On other transcripts: intron variant (2).
Genome position (GRCh38, 1-based): chr1:111,778,476, A>C on the plus strand (T>G on the coding strand, the complement: KCND3 is on the minus strand). VCF-style: chr1-111778476-A-C. GRCh37 (hg19) VCF-style: chr1-112321098-A-C.
Other names: c.1478T>G, p.Val493Gly (NM_004980.5); c.1462-1203T>G (NM_001378970.1, NM_172198.3); short protein forms V493G.
Identifiers: ClinVar variation 1041440 (VCV001041440.8), dbSNP rs1216457569, ClinGen allele CA341657744.